The following is an entry in ClinVar:

NM_000179.3(MSH6):c.3028A>T (p.Thr1010Ser)

Gene: MSH6 (mutS homolog 6; plus strand). Cytogenetic location: 2p16.3.
Variant type: single nucleotide variant.
Coding change: c.3028A>T on transcript NM_000179.3 (MANE Select); coding-DNA position 3028, A replaced by T.
Protein change: p.Thr1010Ser; replaces threonine 1010 with serine.
Molecular consequence: missense variant.
Genome position (GRCh38, 1-based): chr2:47,801,011, A>T. VCF-style: chr2-47801011-A-T. GRCh37 (hg19) VCF-style: chr2-48028150-A-T.
Other names: c.2638A>T, p.Thr880Ser (NM_001281492.2); c.2122A>T, p.Thr708Ser (NM_001281493.2, NM_001281494.2); short protein forms T1010S, T708S, T880S.
Identifiers: ClinVar variation 479950 (VCV000479950.23), dbSNP rs1553414407, ClinGen allele CA346756455.

ClinVar aggregate classification (germline): Uncertain significance. Review status: criteria provided, multiple submitters, no conflicts (2 of 4 stars). 6 submissions from 6 submitters: Uncertain significance (6). Last evaluated 2025-08-05.

Conditions:
Hereditary nonpolyposis colorectal neoplasms. Identifiers: MedGen C0009405, MeSH D003123.
Hereditary cancer-predisposing syndrome. Also called: Hereditary Cancer Syndrome; Neoplastic Syndromes, Hereditary; Tumor predisposition; Hereditary neoplastic syndrome. Identifiers: Orphanet 140162, MedGen C0027672, MeSH D009386, MONDO:0015356.
Lynch syndrome. Identifiers: Orphanet 144, MedGen C4552100, MONDO:0005835. Disease mechanism: loss of function.
Endometrial carcinoma. Also called: Endometrial carcinoma, somatic. Identifiers: MedGen C0476089, MONDO:0002447, OMIM 608089, HP:0012114.

Allele frequency attached by ClinVar (database versions not stated): gnomAD exomes below 0.00001.
gnomAD v4.1: 1 of 1,571,410 alleles (0.000064%); highest among the groups gnomAD compares: Non-Finnish European, 0.000086%; no homozygotes.

Submissions (6):

Quest Diagnostics Nichols Institute San Juan Capistrano
Classification: Uncertain significance. Last evaluated: 2025-08-05. Review status: criteria provided, single submitter. Criteria: Quest Diagnostics criteria. Collection method: clinical testing. Allele origin: unknown.
Comment: The MSH6 c.3028A>T (p.Thr1010Ser) variant has not been reported in individuals with MSH6-related conditions in the published literature. This variant has not been reported in large, multi-ethnic general populations (Genome Aggregation Database). Analysis of this variant using bioinformatics tools for the prediction of the effect of amino acid changes on protein structure and function yielded predictions that this variant is benign. Based on the available information, we are unable to determine the clinical significance of this variant.

Ambry Genetics
Classification: Uncertain significance for Hereditary cancer-predisposing syndrome. Last evaluated: 2025-05-27. Review status: criteria provided, single submitter. Criteria: Ambry Variant Classification Scheme 2023. Collection method: clinical testing. Allele origin: germline.
Comment: The p.T1010S variant (also known as c.3028A>T), located in coding exon 4 of the MSH6 gene, results from an A to T substitution at nucleotide position 3028. The threonine at codon 1010 is replaced by serine, an amino acid with similar properties. This amino acid position is not well conserved in available vertebrate species. In addition, this alteration is predicted to be tolerated by in silico analysis. Since supporting evidence is limited at this time, the clinical significance of this alteration remains unclear.

Labcorp Genetics (formerly Invitae), Labcorp
Classification: Uncertain significance for Hereditary nonpolyposis colorectal neoplasms. Last evaluated: 2024-04-29. Review status: criteria provided, single submitter. Criteria: Invitae Variant Classification Sherloc (09022015). Collection method: clinical testing. Allele origin: germline.
Comment: This sequence change replaces threonine, which is neutral and polar, with serine, which is neutral and polar, at codon 1010 of the MSH6 protein (p.Thr1010Ser). This variant is not present in population databases (gnomAD no frequency). This variant has not been reported in the literature in individuals affected with MSH6-related conditions. ClinVar contains an entry for this variant (Variation ID: 479950). Advanced modeling of protein sequence and biophysical properties (such as structural, functional, and spatial information, amino acid conservation, physicochemical variation, residue mobility, and thermodynamic stability) performed at Invitae indicates that this missense variant is not expected to disrupt MSH6 protein function with a negative predictive value of 95%. In summary, the available evidence is currently insufficient to determine the role of this variant in disease. Therefore, it has been classified as a Variant of Uncertain Significance.

Baylor Genetics
Classification: Uncertain significance for Endometrial carcinoma. Last evaluated: 2024-02-19. Review status: criteria provided, single submitter. Criteria: ACMG Guidelines, 2015. Collection method: clinical testing. Allele origin: unknown.

All of Us Research Program, National Institutes of Health
Classification: Uncertain significance for Lynch syndrome. Last evaluated: 2023-12-18. Review status: criteria provided, single submitter. Criteria: ACMG Guidelines, 2015. Collection method: clinical testing. Allele origin: germline. Inheritance: Autosomal dominant inheritance. Observed: 1 variant allele, 1 heterozygote.
Comment: This missense variant replaces threonine with serine at codon 1010 of the MSH6 protein. Computational prediction suggests that this variant may not impact protein structure and function (internally defined REVEL score threshold <= 0.5, PMID: 27666373). To our knowledge, functional studies have not been reported for this variant. This variant has not been reported in individuals affected with MSH6-related disorders in the literature. This variant has not been identified in the general population by the Genome Aggregation Database (gnomAD). The available evidence is insufficient to determine the role of this variant in disease conclusively. Therefore, this variant is classified as a Variant of Uncertain Significance.

This study involves interpretation of variants in research participants for the purpose of population health screening. Participant phenotype was not available at the time of variant classification. Additional details can be found in publication PMID: 35346344, PMCID: PMC8962531

Color Diagnostics, LLC DBA Color Health
Classification: Uncertain significance for Hereditary cancer-predisposing syndrome. Last evaluated: 2023-12-05. Review status: criteria provided, single submitter. Criteria: ACMG Guidelines, 2015. Collection method: clinical testing. Allele origin: germline.
Comment: This missense variant replaces threonine with serine at codon 1010 of the MSH6 protein. Computational prediction suggests that this variant may not impact protein structure and function (internally defined REVEL score threshold <= 0.5, PMID: 27666373). To our knowledge, functional studies have not been reported for this variant. This variant has not been reported in individuals affected with MSH6-related disorders in the literature. This variant has not been identified in the general population by the Genome Aggregation Database (gnomAD). The available evidence is insufficient to determine the role of this variant in disease conclusively. Therefore, this variant is classified as a Variant of Uncertain Significance.